The following is an entry in ClinVar:

NM_002117.6(HLA-C):c.24C>T (p.Ala8=)

Gene: HLA-C (major histocompatibility complex, class I, C; minus strand). Cytogenetic location: 6p21.33.
Variant type: single nucleotide variant.
Coding change: c.24C>T on transcript NM_002117.6 (MANE Select); coding-DNA position 24, C replaced by T.
Protein change: p.Ala8=; no amino-acid change (alanine 8 retained).
Molecular consequence: synonymous variant.
Genome position (GRCh38, 1-based): chr6:31,272,048, G>A on the plus strand (C>T on the coding strand, the complement: HLA-C is on the minus strand). VCF-style: chr6-31272048-G-A. GRCh37 (hg19) VCF-style: chr6-31239825-G-A.
Other names: c.24C>T, p.Ala8= (NM_001243042.1).
Identifiers: ClinVar variation 2656390 (VCV002656390.24), dbSNP rs41543119, ClinGen allele CA3711053.

ClinVar aggregate classification (germline): Likely benign (1 of 4 stars; one submission).

Allele frequency attached by ClinVar (database versions not stated): 1000 Genomes Project 30x 0.00031; ExAC 0.00046; ESP Exome Variant Server 0.00059; 1000 Genomes Project 0.00060.

Submission:

CeGaT Center for Human Genetics Tuebingen
Classification: Likely benign. Last evaluated: 2022-07-01. Review status: criteria provided, single submitter. Criteria: CeGaT Center For Human Genetics Tuebingen Variant Classification Criteria Version 2. Collection method: clinical testing. Allele origin: germline. Affected: yes. Observed: 1 variant allele.
Comment: HLA-C: BP4, BP7